The following is an entry in ClinVar:

ClinVar aggregate classification (germline): Uncertain significance (1 of 4 stars; one submission).

Submission:

Labcorp Genetics (formerly Invitae), Labcorp
Classification: Uncertain significance. Last evaluated: 2025-03-27. Review status: criteria provided, single submitter. Criteria: Invitae Variant Classification Sherloc (09022015). Collection method: clinical testing. Allele origin: germline.
Comment: This sequence change replaces glycine, which is neutral and non-polar, with arginine, which is basic and polar, at codon 14 of the SPTA1 protein (p.Gly14Arg). This variant is present in population databases (rs778856242, gnomAD 0.006%). This variant has not been reported in the literature in individuals affected with SPTA1-related conditions. Invitae Evidence Modeling of protein sequence and biophysical properties (such as structural, functional, and spatial information, amino acid conservation, physicochemical variation, residue mobility, and thermodynamic stability) indicates that this missense variant is not expected to disrupt SPTA1 protein function with a negative predictive value of 80%. In summary, the available evidence is currently insufficient to determine the role of this variant in disease. Therefore, it has been classified as a Variant of Uncertain Significance.

NM_003126.4(SPTA1):c.40G>A (p.Gly14Arg)

Gene: SPTA1 (spectrin alpha, erythrocytic 1; minus strand). Cytogenetic location: 1q23.1.
Variant type: single nucleotide variant.
Coding change: c.40G>A on transcript NM_003126.4 (MANE Select); coding-DNA position 40, G replaced by A.
Protein change: p.Gly14Arg; replaces glycine 14 with arginine.
Molecular consequence: missense variant.
Genome position (GRCh38, 1-based): chr1:158,685,332, C>T on the plus strand (G>A on the coding strand, the complement: SPTA1 is on the minus strand). VCF-style: chr1-158685332-C-T. GRCh37 (hg19) VCF-style: chr1-158655122-C-T.
Other names: short protein forms G14R.
Identifiers: ClinVar variation 4774935 (VCV004774935.1).